The following is an entry in ClinVar:

NM_004656.4(BAP1):c.1251-3C>T

Gene: BAP1 (BRCA1 associated deubiquitinase 1; minus strand). Cytogenetic location: 3p21.1.
Variant type: single nucleotide variant.
Coding change: c.1251-3C>T on transcript NM_004656.4 (MANE Select); 3 bases into the intron before coding-DNA position 1251, C replaced by T.
Molecular consequence: intron variant.
Genome position (GRCh38, 1-based): chr3:52,403,897, G>A on the plus strand (C>T on the coding strand, the complement: BAP1 is on the minus strand). VCF-style: chr3-52403897-G-A. GRCh37 (hg19) VCF-style: chr3-52437913-G-A.
Identifiers: ClinVar variation 539902 (VCV000539902.23), dbSNP rs767276752, ClinGen allele CA2436842.
Genomic context (GRCh38, chr3:52,403,897, plus strand): 5'-TTGCCCATCAGCAGAACCGCTCAATGCCCCTGGCTTCCCTGTTCCCTTCCCCTTATACCT[G>A]TGGGGCCCGAGAAGATGTGAAGCAAGGGAACGGGCCAGGTGACCATACCCAGCAGTACCC-3'

ClinVar aggregate classification (germline): Conflicting classifications of pathogenicity. Review status: criteria provided, conflicting classifications (1 of 4 stars). 5 submissions from 5 submitters: Uncertain significance (2); Likely benign (3). Last evaluated 2026-01-26.

Conditions:
BAP1-related tumor predisposition syndrome (TPDS1). Also called: COMMON Syndrome; TUMOR PREDISPOSITION SYNDROME 1; BAP1 tumor predisposition syndrome; Tumor susceptibility linked to germline BAP1 mutations. Identifiers: Orphanet 289539, MedGen C3280492, MONDO:0013692, OMIM 614327.
Hereditary cancer-predisposing syndrome. Also called: Neoplastic Syndromes, Hereditary; Hereditary Cancer Syndrome; Hereditary neoplastic syndrome; Tumor predisposition. Identifiers: Orphanet 140162, MedGen C0027672, MeSH D009386, MONDO:0015356.

Allele frequency attached by ClinVar (database versions not stated): gnomAD exomes below 0.00001; TOPMed below 0.00001; gnomAD 0.00001; ExAC 0.00002.
gnomAD v4.1: 5 of 1,613,478 alleles (0.00031%); highest among the groups gnomAD compares: Admixed American, 0.0017%; no homozygotes.

Submissions (5):

Labcorp Genetics (formerly Invitae), Labcorp
Classification: Likely benign for BAP1-related tumor predisposition syndrome. Last evaluated: 2026-01-26. Review status: criteria provided, single submitter. Criteria: Invitae Variant Classification Sherloc (09022015). Collection method: clinical testing. Allele origin: germline.

Center for Genomic Medicine, Rigshospitalet, Copenhagen University Hospital
Classification: Likely benign. Last evaluated: 2025-03-04. Review status: criteria provided, single submitter. Criteria: ACMG Guidelines, 2015. Collection method: clinical testing. Allele origin: germline.

Ambry Genetics
Classification: Likely benign for Hereditary cancer-predisposing syndrome. Last evaluated: 2024-01-29. Review status: criteria provided, single submitter. Criteria: Ambry Variant Classification Scheme 2023. Collection method: clinical testing. Allele origin: germline.

Color Diagnostics, LLC DBA Color Health
Classification: Uncertain significance for Hereditary cancer-predisposing syndrome. Last evaluated: 2022-05-10. Review status: criteria provided, single submitter. Criteria: ACMG Guidelines, 2015. Collection method: clinical testing. Allele origin: germline.
Comment: This variant causes a C>T nucleotide substitution at the -3 position of intron 12 of the BAP1 gene. To our knowledge, RNA studies have not been performed for this variant. This variant has not been reported in individuals affected with hereditary cancer in the literature. This variant has been identified in 1/251022 chromosomes in the general population by the Genome Aggregation Database (gnomAD). The available evidence is insufficient to determine the role of this variant in disease conclusively. Therefore, this variant is classified as a Variant of Uncertain Significance.

St. Jude Molecular Pathology, St. Jude Children's Research Hospital
Classification: Uncertain significance for BAP1-related tumor predisposition syndrome. Last evaluated: 2022-03-17. Review status: criteria provided, single submitter. Criteria: St. Jude Assertion Criteria 2020. Collection method: clinical testing. Allele origin: germline.
Comment: The BAP1 c.1251-3C>T intronic change results in a C to T substitution at the -3 position of intron 12 of the BAP1 gene. This variant has a maximum subpopulation frequency of 0.00088% in gnomAD v2.1.1. This variant is not predicted to affect the native splice acceptor site (BP4), and RNA data does not demonstrate differences in splicing between mutant and wild-type reads (internal data). To our knowledge, this variant has not been reported in individuals with BAP1-related tumor predisposition syndrome. In summary, this variant meets criteria to be classified as of uncertain significance based on the ACMG/AMP criteria: PM2_supporting, BP4.